The following is an entry in ClinVar:

ClinVar aggregate classification (germline): Uncertain significance. Review status: criteria provided, multiple submitters, no conflicts (2 of 4 stars). 2 submissions from 2 submitters: Uncertain significance (2). Last evaluated 2025-11-30.

Conditions:
Waardenburg syndrome type 2. Identifiers: Orphanet 895, MedGen C2700265, MONDO:0019517.

Allele frequency attached by ClinVar (database versions not stated): gnomAD exomes 0.00001; ExAC 0.00002.
gnomAD v4.1: 11 of 1,612,928 alleles (0.00068%); highest among the groups gnomAD compares: South Asian, 0.012%; no homozygotes.

Submissions (2):

Genetic Medicine of African Populations, University of Cape Town
Classification: Uncertain significance for Waardenburg syndrome type 2. Last evaluated: 2025-11-30. Review status: criteria provided, single submitter. Criteria: ACMG Guidelines, 2015. Collection method: research, in vitro. Allele origin: inherited, not applicable. Inheritance: Autosomal dominant inheritance. Affected: yes. Observed: 2 variant alleles. Functional consequence: cellular mislocalization, decreased translational product level, reduced protein expression.
Comment: This NM_001354768.3:c.358G>A missense variant substitutes glutamic acid (acidic and polar), with lysine (basic and polar) at codon position 120 of the NRL protein (p.Glu120Lys). The variant is reported in gnomAD v4.1 (MAF = 0.000006820), and in ClinVar as uncertain significance (VCV000838994.10). This variant co-segregates with the phenotype in two affected siblings, with maternity and paternity confirmation, and a phenotype consistent with the gene (PP1, PP4). This variant has been identified in two affected siblings, with congenital, profound, bilateral, symmetrical hearing loss, blue eyes, and a white forelock. In summary, the available evidence is considered insufficient to determine the role of this variant in the disease pathogenesis. Though multiple lines of computational evidence supports a deleterious effect on the gene product (PP3), our lab classifies the variant as a Variant of Uncertain Significance (PP1, PP3, PP4).

Labcorp Genetics (formerly Invitae), Labcorp
Classification: Uncertain significance. Last evaluated: 2025-10-22. Review status: criteria provided, single submitter. Criteria: Invitae Variant Classification Sherloc (09022015). Collection method: clinical testing. Allele origin: germline.
Comment: This sequence change replaces glutamic acid, which is acidic and polar, with lysine, which is basic and polar, at codon 120 of the NRL protein (p.Glu120Lys). This variant is present in population databases (rs779710488, gnomAD 0.007%). This variant has not been reported in the literature in individuals affected with NRL-related conditions. ClinVar contains an entry for this variant (Variation ID: 838994). An algorithm developed to predict the effect of missense changes on protein structure and function (PolyPhen-2) suggests that this variant is likely to be tolerated. In summary, the available evidence is currently insufficient to determine the role of this variant in disease. Therefore, it has been classified as a Variant of Uncertain Significance.

NM_001354768.3(NRL):c.358G>A (p.Glu120Lys)

Gene: NRL (neural retina leucine zipper; minus strand). Cytogenetic location: 14q11.2.
Variant type: single nucleotide variant.
Coding change: c.358G>A on transcript NM_001354768.3 (MANE Select); coding-DNA position 358, G replaced by A.
Protein change: p.Glu120Lys; replaces glutamic acid 120 with lysine.
Molecular consequence: missense variant. On other transcripts: intron variant (1).
Genome position (GRCh38, 1-based): chr14:24,082,491, C>T on the plus strand (G>A on the coding strand, the complement: NRL is on the minus strand). VCF-style: chr14-24082491-C-T. GRCh37 (hg19) VCF-style: chr14-24551700-C-T.
Other names: c.358G>A, p.Glu120Lys (NM_001354769.1, NM_006177.5); c.66+292G>A (NM_001354770.2); short protein forms E120K.
Identifiers: ClinVar variation 838994 (VCV000838994.10), dbSNP rs779710488, ClinGen allele CA7122877.